The following is an entry in ClinVar:

ClinVar aggregate classification (germline): Uncertain significance (1 of 4 stars; one submission).

Conditions:
Gorlin syndrome. Also called: Basal cell nevus syndrome; Nevoid Basal Cell Carcinoma Syndrome. Identifiers: Orphanet 377, MedGen C0004779, MONDO:0007187.

Allele frequency attached by ClinVar (database versions not stated): gnomAD exomes 0.00001; ExAC 0.00002.

Submission:

Labcorp Genetics (formerly Invitae), Labcorp
Classification: Uncertain significance for Gorlin syndrome. Last evaluated: 2022-09-13. Review status: criteria provided, single submitter. Criteria: Invitae Variant Classification Sherloc (09022015). Collection method: clinical testing. Allele origin: germline.
Comment: This sequence change replaces leucine, which is neutral and non-polar, with phenylalanine, which is neutral and non-polar, at codon 134 of the PTCH2 protein (p.Leu134Phe). This variant is present in population databases (rs749624004, gnomAD 0.006%). This variant has not been reported in the literature in individuals affected with PTCH2-related conditions. Advanced modeling of protein sequence and biophysical properties (such as structural, functional, and spatial information, amino acid conservation, physicochemical variation, residue mobility, and thermodynamic stability) performed at Invitae indicates that this missense variant is not expected to disrupt PTCH2 protein function. In summary, the available evidence is currently insufficient to determine the role of this variant in disease. Therefore, it has been classified as a Variant of Uncertain Significance.

NM_003738.5(PTCH2):c.400C>T (p.Leu134Phe)

Gene: PTCH2 (patched 2; minus strand). Cytogenetic location: 1p34.1.
Variant type: single nucleotide variant.
Coding change: c.400C>T on transcript NM_003738.5 (MANE Select); coding-DNA position 400, C replaced by T.
Protein change: p.Leu134Phe; replaces leucine 134 with phenylalanine.
Molecular consequence: missense variant.
Genome position (GRCh38, 1-based): chr1:44,832,207, G>A on the plus strand (C>T on the coding strand, the complement: PTCH2 is on the minus strand). VCF-style: chr1-44832207-G-A. GRCh37 (hg19) VCF-style: chr1-45297879-G-A.
Other names: c.400C>T, p.Leu134Phe (NM_001166292.2); short protein forms L134F.
Identifiers: ClinVar variation 2161774 (VCV002161774.4), dbSNP rs749624004, ClinGen allele CA823648.
Genomic context (GRCh38, chr1:44,832,207, plus strand): 5'-CTCACTTCCCATAGAGTGATACTTGGACTTTACTGGCAGTGAGGGCTGCCTGGAGGTGGA[G>A]GCCAAGTGCTTCGGGTGTGAGGATGTTCTCTCCCTCCTGGCGTGCGGTCTGTATCAGCAT-3'
Protein context (NP_003729.3, residues 124-144): ENILTPEALG[Leu134Phe]HLQAALTASK